The following is an entry in ClinVar:

NM_001005273.3(CHD3):c.2243G>A (p.Arg748His)

Gene: CHD3 (chromodomain helicase DNA binding protein 3; plus strand). Cytogenetic location: 17p13.1.
Variant type: single nucleotide variant.
Coding change: c.2243G>A on transcript NM_001005273.3 (MANE Select); coding-DNA position 2243, G replaced by A.
Protein change: p.Arg748His; replaces arginine 748 with histidine.
Molecular consequence: missense variant.
Genome position (GRCh38, 1-based): chr17:7,899,102, G>A. VCF-style: chr17-7899102-G-A. GRCh37 (hg19) VCF-style: chr17-7802420-G-A.
Other names: c.2420G>A, p.Arg807His (NM_001005271.3); c.2243G>A, p.Arg748His (NM_005852.4); short protein forms R748H, R807H.
Identifiers: ClinVar variation 2507354 (VCV002507354.1), dbSNP rs2544918349, ClinGen allele CA397936822.

ClinVar aggregate classification (germline): Uncertain significance (1 of 4 stars; one submission).

Submission:

GeneDx
Classification: Uncertain significance. Last evaluated: 2022-12-31. Review status: criteria provided, single submitter. Criteria: GeneDx Variant Classification Process June 2021. Collection method: clinical testing. Allele origin: germline. Affected: yes.
Comment: In silico analysis supports that this missense variant has a deleterious effect on protein structure/function; Not observed at significant frequency in large population cohorts (gnomAD); Has not been previously published as pathogenic or benign to our knowledge